The following is an entry in ClinVar:

NM_001848.3(COL6A1):c.1027_1056+76del

Gene: COL6A1 (collagen type VI alpha 1 chain; plus strand). Cytogenetic location: 21q22.3.
Variant type: Deletion.
Coding change: c.1027_1056+76del on transcript NM_001848.3 (MANE Select); coding-DNA position 1027 through 76 bases into the intron after coding-DNA position 1056, 106 bases deleted.
Molecular consequence: splice donor variant.
Genome position (GRCh38, 1-based): chr21:45,990,797-45,990,902, 106 bases deleted. GRCh37 (hg19): chr21:47,410,711-47,410,816.
Identifiers: ClinVar variation 1482996 (VCV001482996.6), dbSNP rs2123473096, ClinGen allele CA2573157631.

ClinVar aggregate classification (germline): Pathogenic (1 of 4 stars; one submission).

Conditions:
Bethlem myopathy 1A. Also called: Bethlem myopathy 1; Bethlem Muscular Dystrophy; MYOPATHY, BENIGN CONGENITAL, WITH CONTRACTURES. Identifiers: Orphanet 610, MedGen CN029274, MONDO:0024530, OMIM 158810.

Submission:

Labcorp Genetics (formerly Invitae), Labcorp
Classification: Pathogenic for Bethlem myopathy 1A. Last evaluated: 2024-12-23. Review status: criteria provided, single submitter. Criteria: Invitae Variant Classification Sherloc (09022015). Collection method: clinical testing. Allele origin: germline.
Comment: This variant results in the deletion of part of exon 14 (c.1027_1056+76del) of the COL6A1 gene. It is expected to disrupt RNA splicing. Variants that disrupt the donor or acceptor splice site typically lead to a loss of protein function (PMID: 16199547), and loss-of-function variants in COL6A1 are known to be disease-causing for autosomal recessive COL6A1-related conditions (PMID: 21280092, 20976770). However, certain variants affecting donor or acceptor splice sites in the triple helical domain of COL6A1 are expected to result in in-frame exon skipping and have been reported to cause autosomal dominant COL6A1-related conditions (PMID: 18366090). This variant is not present in population databases (gnomAD no frequency). This variant has been observed in individual(s) with COL6A1-related conditions (internal data). In at least one individual the variant was observed to be de novo. ClinVar contains an entry for this variant (Variation ID: 1482996). This variant disrupts the triple helix domain of COL6A1. Glycine residues within the Gly-Xaa-Yaa repeats of the triple helix domain are required for the structure and stability of fibrillar collagens (PMID: 7695699, 8218237, 19344236). In COL6A1, variants at these glycine residues are significantly enriched in individuals with autosomal dominant disease (PMID: 15689448, 24038877) compared to the general population (ExAC). For these reasons, this variant has been classified as Pathogenic.

Literature cited by the submitters: PubMed 16199547; PubMed 21280092; PubMed 20976770; PubMed 18366090; PubMed 7695699; PubMed 8218237; PubMed 19344236; PubMed 15689448; PubMed 24038877.